The following is an entry in ClinVar:

NM_025137.4(SPG11):c.6343+5_6343+8del

Gene: SPG11 (SPG11 vesicle trafficking associated, spatacsin; minus strand). Cytogenetic location: 15q21.1.
Variant type: Deletion.
Coding change: c.6343+5_6343+8del on transcript NM_025137.4 (MANE Select); bases 5 to 8 of the intron after coding-DNA position 6343, 4 bases deleted (GTTA; older notation c.6343+5_6343+8delGTTA).
Molecular consequence: intron variant.
Genome position (GRCh38, 1-based): chr15:44,572,675-44,572,678, TAAC deleted on the plus strand (GTTA on the coding strand, the reverse complement: SPG11 is on the minus strand); deleting any 4 consecutive bases within chr15:44,572,675-44,572,679 gives the same sequence; the c. name uses the placement nearest the transcript's 3' end. VCF-style (leftmost placement, unchanged base first): chr15-44572674-ATAAC-A. GRCh37 (hg19) VCF-style: chr15-44864872-ATAAC-A.
Other names: c.6199+5_6199+8del (NM_001411132.1); c.6004+5_6004+8del (NM_001160227.2).
Identifiers: ClinVar variation 4723924 (VCV004723924.1).

ClinVar aggregate classification (germline): Uncertain significance (1 of 4 stars; one submission).

Conditions:
Hereditary spastic paraplegia 11. Also called: Spastic paraplegia, mental retardation and thin corpus callosum; SPASTIC PARAPLEGIA, AUTOSOMAL RECESSIVE, COMPLICATED, WITH THIN CORPUS CALLOSUM; SPASTIC PARAPLEGIA, AUTOSOMAL RECESSIVE, WITH MENTAL IMPAIRMENT AND THIN CORPUS CALLOSUM; Nakamura Osame syndrome; Autosomal recessive hereditary spastic paraplegia, mental impairment, and thin corpus callosum; Spastic Paraplegia 11. Identifiers: Orphanet 2822, MedGen C1858479, MONDO:0011445, OMIM 604360.

Submission:

Labcorp Genetics (formerly Invitae), Labcorp
Classification: Uncertain significance for Hereditary spastic paraplegia 11. Last evaluated: 2025-07-29. Review status: criteria provided, single submitter. Criteria: Invitae Variant Classification Sherloc (09022015). Collection method: clinical testing. Allele origin: germline.
Comment: This sequence change falls in intron 33 of the SPG11 gene. It does not directly change the encoded amino acid sequence of the SPG11 protein. It affects a nucleotide within the consensus splice site. This variant is not present in population databases (gnomAD no frequency). This variant has not been reported in the literature in individuals affected with SPG11-related conditions. Variants that disrupt the consensus splice site are a relatively common cause of aberrant splicing (PMID: 17576681, 9536098). Algorithms developed to predict the effect of sequence changes on RNA splicing suggest that this variant may disrupt the consensus splice site. In summary, the available evidence is currently insufficient to determine the role of this variant in disease. Therefore, it has been classified as a Variant of Uncertain Significance.

Literature cited by the submitters: PubMed 17576681; PubMed 9536098.